The following is an entry in ClinVar:

ClinVar aggregate classification (germline): Likely pathogenic (1 of 4 stars; one submission).

Submission:

GeneDx
Classification: Likely pathogenic. Last evaluated: 2017-12-05. Review status: criteria provided, single submitter. Criteria: GeneDx Variant Classification (06012015). Collection method: clinical testing. Allele origin: germline. Affected: yes.
Comment: Although the c.6596delG likely pathogenic variant in the FBN1 gene has not been reported to our knowledge, this variant causes a shift in reading frame starting at codon glycine 2199, changing it to a valine, and creating a premature stop codon at position 3 of the new reading frame, denoted p.Gly2199ValfsX3. This likely pathogenic variant is expected to result in either an abnormal, truncated protein product or loss of protein from this allele through nonsense-mediated mRNA decay. Other frameshift variants in the FBN1 gene, including multiple downstream of this variant, have been reported in Human Gene Mutation Database in association with Marfan syndrome (Stenson et al., 2014). Furthermore, the c.6596delG variant has not been observed in large population cohorts (Lek et al., 2016).

NM_000138.5(FBN1):c.6596del (p.Gly2199fs)

Gene: FBN1 (fibrillin 1; minus strand). Cytogenetic location: 15q21.1.
Variant type: Deletion.
Coding change: c.6596del on transcript NM_000138.5 (MANE Select); coding-DNA position 6596, one base deleted (G; older notation c.6596delG).
Protein change: p.Gly2199fs; shifts the reading frame from glycine 2199.
Molecular consequence: frameshift variant.
Genome position (GRCh38, 1-based): chr15:48,434,614, C deleted on the plus strand (G on the coding strand, the reverse complement: FBN1 is on the minus strand); the first of 2 consecutive C bases (chr15:48,434,614-48,434,615); deleting either gives the same sequence. VCF-style (leftmost placement, unchanged base first): chr15-48434613-AC-A. GRCh37 (hg19) VCF-style: chr15-48726810-AC-A.
Other names: c.6596delG (NM_000138.4); short protein forms G2199fs.
Identifiers: ClinVar variation 503902 (VCV000503902.2), dbSNP rs1555395004, ClinGen allele CA658798050.